The following is an entry in ClinVar:

ClinVar aggregate classification (germline): Uncertain significance. Review status: criteria provided, multiple submitters, no conflicts (2 of 4 stars). 3 submissions from 3 submitters: Uncertain significance (2). 1 of the submissions does not count toward it. Last evaluated 2023-11-10.

Conditions:
Galactosylceramide beta-galactosidase deficiency. Also called: GALACTOCEREBROSIDASE DEFICIENCY; GALC DEFICIENCY; GLOBOID CELL LEUKOENCEPHALOPATHY; Leukodystrophy, Globoid Cell; Krabbe Disease. Identifiers: Orphanet 487, MedGen C0023521, MONDO:0009499, OMIM 245200.

Allele frequency attached by ClinVar (database versions not stated): TOPMed below 0.00001; gnomAD 0.00001.

Submissions (3):

Women's Health and Genetics/Laboratory Corporation of America, LabCorp
Classification: Uncertain significance. Last evaluated: 2023-11-10. Review status: criteria provided, single submitter. Criteria: LabCorp Variant Classification Summary - May 2015. Collection method: clinical testing. Allele origin: germline.
Comment: Variant summary: GALC c.251A>G (p.Asp84Gly) results in a non-conservative amino acid change located in the catalytic domain (IPR049161) of the encoded protein sequence. Five of five in-silico tools predict a damaging effect of the variant on protein function. The variant was absent in 249240 control chromosomes (gnomAD). c.251A>G has been reported in the literature in at least one individual identified through newborn screening as being at low or moderate risk of developing Krabbe disease based on GALC activity levels, who harbored a pathogenic variant in trans (e.g., Orsini_2016). This report does not provide unequivocal conclusions about association of the variant with Krabbe Disease. At least one publication reports experimental evidence evaluating an impact on protein function (e.g., Saavedra-Martiz_2016). The most pronounced variant effect results in <10% of normal GALC activity. The following publications have been ascertained in the context of this evaluation (PMID: 26795590, 27638593). Two submitters have reported clinical-significance assessments for this variant to ClinVar after 2014. All submitters classified the variant as uncertain significance. Based on the evidence outlined above, the variant was classified as VUS-possibly pathogenic.

Revvity Omics, Revvity
Classification: Uncertain significance. Last evaluated: 2022-04-28. Review status: criteria provided, single submitter. Criteria: ACMG Guidelines, 2015. Collection method: clinical testing. Allele origin: germline.

Counsyl
Classification: Uncertain significance for Galactosylceramide beta-galactosidase deficiency. Last evaluated: 2017-03-10. Review status: no assertion criteria provided. Collection method: clinical testing. Allele origin: unknown. Not counted in ClinVar's aggregate classification.

Literature cited by the submitters: PubMed 26795590 (cited by Women's Health and Genetics/Laboratory Corporation of America, LabCorp and Counsyl); PubMed 27638593 (cited by Women's Health and Genetics/Laboratory Corporation of America, LabCorp).

NM_000153.4(GALC):c.251A>G (p.Asp84Gly)

Gene: GALC (galactosylceramidase; minus strand). Cytogenetic location: 14q31.3.
Variant type: single nucleotide variant.
Coding change: c.251A>G on transcript NM_000153.4 (MANE Select); coding-DNA position 251, A replaced by G.
Protein change: p.Asp84Gly; replaces aspartic acid 84 with glycine.
Molecular consequence: missense variant. On other transcripts: intron variant (1).
Genome position (GRCh38, 1-based): chr14:87,988,468, T>C on the plus strand (A>G on the coding strand, the complement: GALC is on the minus strand). VCF-style: chr14-87988468-T-C. GRCh37 (hg19) VCF-style: chr14-88454812-T-C.
Other names: c.173A>G, p.Asp58Gly (NM_001201402.2); c.196-261A>G (NM_001201401.2); short protein forms D84G, D58G.
Identifiers: ClinVar variation 551097 (VCV000551097.6), dbSNP rs1555383882, ClinGen allele CA390753345.